The following is an entry in ClinVar:

NM_020812.4(DOCK6):c.2506G>A (p.Val836Ile)

Gene: DOCK6 (dedicator of cytokinesis 6; minus strand). Cytogenetic location: 19p13.2.
Variant type: single nucleotide variant.
Coding change: c.2506G>A on transcript NM_020812.4 (MANE Select); coding-DNA position 2506, G replaced by A.
Protein change: p.Val836Ile; replaces valine 836 with isoleucine.
Molecular consequence: missense variant.
Genome position (GRCh38, 1-based): chr19:11,235,646, C>T on the plus strand (G>A on the coding strand, the complement: DOCK6 is on the minus strand). VCF-style: chr19-11235646-C-T. GRCh37 (hg19) VCF-style: chr19-11346322-C-T.
Other names: c.2506G>A (NM_020812.2); c.2506G>A, p.Val836Ile (NM_001367830.1); short protein forms V836I.
Identifiers: ClinVar variation 771512 (VCV000771512.14), dbSNP rs200935357, ClinGen allele CA9207607.

ClinVar aggregate classification (germline): Conflicting classifications of pathogenicity. Review status: criteria provided, conflicting classifications (1 of 4 stars). 4 submissions from 4 submitters: Uncertain significance (1); Benign (1); Likely benign (1). 1 of the submissions does not count toward it. Last evaluated 2026-01-12.

Conditions:
DOCK6-related disorder. Also called: DOCK6-related condition.
Adams-Oliver syndrome 2 (AOS2). Identifiers: Orphanet 974, MedGen C3280182, MONDO:0013635, OMIM 614219.
Inborn genetic diseases. Identifiers: MedGen C0950123, MeSH D030342.

Allele frequency attached by ClinVar (database versions not stated): 1000 Genomes Project 30x 0.00016; ExAC 0.00072; 1000 Genomes Project 0.00020; TOPMed 0.00023; gnomAD 0.00011; gnomAD exomes 0.00011 and 0.00059.
gnomAD v4.1: 176 of 1,603,314 alleles (0.011%); highest among the groups gnomAD compares: Admixed American, 0.29%; 2 homozygotes.

Submissions (4):

Labcorp Genetics (formerly Invitae), Labcorp
Classification: Benign. Last evaluated: 2026-01-12. Review status: criteria provided, single submitter. Criteria: Invitae Variant Classification Sherloc (09022015). Collection method: clinical testing. Allele origin: germline.

Ambry Genetics
Classification: Likely benign for Inborn genetic diseases. Last evaluated: 2024-05-13. Review status: criteria provided, single submitter. Criteria: Ambry Variant Classification Scheme 2023. Collection method: clinical testing. Allele origin: germline.

Baylor Genetics
Classification: Uncertain significance for Adams-Oliver syndrome 2. Last evaluated: 2018-09-10. Review status: criteria provided, single submitter. Criteria: ACMG Guidelines, 2015. Collection method: clinical testing. Allele origin: unknown. Affected: yes.
Comment: This variant was determined to be of uncertain significance according to ACMG Guidelines, 2015 [PMID:25741868].

PreventionGenetics, part of Exact Sciences
Classification: Likely benign for DOCK6-related condition. Last evaluated: 2022-02-15. Review status: no assertion criteria provided. Collection method: clinical testing. Allele origin: germline. Not counted in ClinVar's aggregate classification.
Comment: This variant is classified as likely benign based on ACMG/AMP sequence variant interpretation guidelines (Richards et al. 2015 PMID: 25741868, with internal and published modifications).